The following is an entry in ClinVar:

NM_001754.5(RUNX1):c.*933T>C

Gene: RUNX1 (RUNX family transcription factor 1; minus strand). Cytogenetic location: 21q22.12.
Variant type: single nucleotide variant.
Coding change: c.*933T>C on transcript NM_001754.5 (MANE Select); 933 bases downstream of the stop codon, T replaced by C.
Molecular consequence: 3 prime UTR variant.
Genome position (GRCh38, 1-based): chr21:34,791,202, A>G on the plus strand (T>C on the coding strand, the complement: RUNX1 is on the minus strand). VCF-style: chr21-34791202-A-G. GRCh37 (hg19) VCF-style: chr21-36163499-A-G.
Other names: c.*933T>C (NM_001001890.3).
Identifiers: ClinVar variation 339852 (VCV000339852.6), dbSNP rs559096806, ClinGen allele CA10644631.

ClinVar aggregate classification (germline): Likely benign. Review status: reviewed by expert panel (3 of 4 stars). 2 submissions from 2 submitters: Likely benign (1). 1 of the submissions does not count toward it. Last evaluated 2025-01-15.

Conditions:
Hereditary thrombocytopenia and hematologic cancer predisposition syndrome. Identifiers: Orphanet 71290, MedGen CN281654, MONDO:0011071.
Hereditary thrombocytopenia and hematological cancer predisposition syndrome associated with RUNX1. Also called: PLATELET DISORDER, ASPIRIN-LIKE; RUNX1 Familial Platelet Disorder with Associated Myeloid Malignancies; Familial Platelet Disorder with Propensity to Acute Myelogenous Leukemia; Familial thrombocytopenia with propensity to acute myelogenous leukemia. Identifiers: Orphanet 71290, MedGen C1832388, MeSH C563324, MONDO:0100083, OMIM 601399.

Allele frequency attached by ClinVar (database versions not stated): gnomAD exomes 0.00036; gnomAD 0.00041 and 0.00043; TOPMed 0.00051.
gnomAD v4.1: 90 of 233,574 alleles (0.039%); highest among the groups gnomAD compares: Non-Finnish European, 0.063%; no homozygotes.

Submissions (2):

ClinGen Myeloid Malignancy Variant Curation Expert Panel
Classification: Likely benign for Hereditary thrombocytopenia and hematologic cancer predisposition syndrome. Last evaluated: 2025-01-15. Review status: reviewed by expert panel. Criteria: ClinGen MyeloMalig ACMG Specifications v2. Collection method: curation. Allele origin: germline. Inheritance: Autosomal dominant inheritance.
Comment: NM_001754.5(RUNX1):c.*933T>C is a 3' UTR variant which has a MAF of 0.0007054 (0.07054%, 48/68048, 48 alleles) in the European (non-finnish) subpopulation of the gnomAD 3.1.2 cohort which is between 0.00015 (0.015%) and 0.0015 (0.15%) (BS1). In summary, this variant meets criteria to be classified as likely benign. ACMG/AMP criteria applied, as specified by the Myeloid Malignancy Variant Curation Expert Panel for RUNX1: BS1.

Illumina Laboratory Services, Illumina
Classification: Uncertain significance for Hereditary thrombocytopenia and hematological cancer predisposition syndrome associated with RUNX1. Last evaluated: 2018-01-13. Review status: criteria provided, single submitter. Criteria: ICSL Variant Classification Criteria 13 December 2019. Collection method: clinical testing. Allele origin: germline. Not counted in ClinVar's aggregate classification.